The following is an entry in ClinVar:

NM_022367.4(SEMA4A):c.767T>C (p.Phe256Ser)

Gene: SEMA4A (semaphorin 4A; plus strand). Cytogenetic location: 1q22.
Variant type: single nucleotide variant.
Coding change: c.767T>C on transcript NM_022367.4 (MANE Select); coding-DNA position 767, T replaced by C.
Protein change: p.Phe256Ser; replaces phenylalanine 256 with serine.
Molecular consequence: missense variant.
Genome position (GRCh38, 1-based): chr1:156,160,986, T>C. VCF-style: chr1-156160986-T-C. GRCh37 (hg19) VCF-style: chr1-156130777-T-C.
Other names: c.767T>C, p.Phe256Ser (NM_001193300.2, NM_001193301.2, NM_001370567.1); c.371T>C, p.Phe124Ser (NM_001193302.2); c.470T>C, p.Phe157Ser (NM_001370568.1); c.260T>C, p.Phe87Ser (NM_001370569.1, NM_001370571.1); short protein forms F157S, F87S, F124S, F256S.
Identifiers: ClinVar variation 1409805 (VCV001409805.8), dbSNP rs2102957180, ClinGen allele CA342838665.
Genomic context (GRCh38, chr1:156,160,986, plus strand): 5'-CCATCCCTTCGACCCAGGTCGTCTACTTCTTCTTCGAGGAGACAGCCAGCGAGTTTGACT[T>C]CTTTGAGAGGCTCCACACATCGCGGGTGGCTAGAGTCTGCAAGGTCCGCGGCCTGGGCGG-3'
Protein context (NP_071762.2, residues 246-266): FFEETASEFD[Phe256Ser]FERLHTSRVA

ClinVar aggregate classification (germline): Uncertain significance (1 of 4 stars; one submission).

Allele frequency attached by ClinVar (database versions not stated): gnomAD exomes 0.00001.

Submission:

Labcorp Genetics (formerly Invitae), Labcorp
Classification: Uncertain significance. Last evaluated: 2022-06-20. Review status: criteria provided, single submitter. Criteria: Invitae Variant Classification Sherloc (09022015). Collection method: clinical testing. Allele origin: germline.
Comment: This sequence change replaces phenylalanine, which is neutral and non-polar, with serine, which is neutral and polar, at codon 256 of the SEMA4A protein (p.Phe256Ser). This variant is not present in population databases (gnomAD no frequency). This variant has not been reported in the literature in individuals affected with SEMA4A-related conditions. Algorithms developed to predict the effect of missense changes on protein structure and function are either unavailable or do not agree on the potential impact of this missense change (SIFT: "Tolerated"; PolyPhen-2: "Probably Damaging"; Align-GVGD: "Class C0"). In summary, the available evidence is currently insufficient to determine the role of this variant in disease. Therefore, it has been classified as a Variant of Uncertain Significance.